The following is an entry in ClinVar:

NM_017763.6(RNF43):c.1102C>G (p.Arg368Gly)

Gene: RNF43 (ring finger protein 43; minus strand). Cytogenetic location: 17q22.
Variant type: single nucleotide variant.
Coding change: c.1102C>G on transcript NM_017763.6 (MANE Select); coding-DNA position 1102, C replaced by G.
Protein change: p.Arg368Gly; replaces arginine 368 with glycine.
Molecular consequence: missense variant.
Genome position (GRCh38, 1-based): chr17:58,358,674, G>C on the plus strand (C>G on the coding strand, the complement: RNF43 is on the minus strand). VCF-style: chr17-58358674-G-C. GRCh37 (hg19) VCF-style: chr17-56436035-G-C.
Other names: c.1102C>G, p.Arg368Gly (NM_001305544.3); c.721C>G, p.Arg241Gly (NM_001305545.2); short protein forms R368G, R241G.
Identifiers: ClinVar variation 3946850 (VCV003946850.1).

ClinVar aggregate classification (germline): Uncertain significance (1 of 4 stars; one submission).

Submission:

Ambry Genetics
Classification: Uncertain significance. Last evaluated: 2025-04-11. Review status: criteria provided, single submitter. Criteria: Ambry Variant Classification Scheme 2023. Collection method: clinical testing. Allele origin: germline.
Comment: The p.R368G variant (also known as c.1102C>G), located in coding exon 8 of the RNF43 gene, results from a C to G substitution at nucleotide position 1102. The arginine at codon 368 is replaced by glycine, an amino acid with dissimilar properties. This amino acid position is conserved. In addition, this alteration is predicted to be tolerated by in silico analysis. Based on the available evidence, the clinical significance of this variant remains unclear.